The following is an entry in ClinVar:

ClinVar aggregate classification (germline): Uncertain significance (1 of 4 stars; one submission).

Submission:

Ambry Genetics
Classification: Uncertain significance. Last evaluated: 2025-08-20. Review status: criteria provided, single submitter. Criteria: Ambry Variant Classification Scheme 2023. Collection method: clinical testing. Allele origin: germline.
Comment: The p.L121F variant (also known as c.363A>T), located in coding exon 3 of the RECQL gene, results from an A to T substitution at nucleotide position 363. The leucine at codon 121 is replaced by phenylalanine, an amino acid with highly similar properties. This amino acid position is conserved. In addition, this alteration is predicted to be deleterious by in silico analysis. Based on the available evidence, the clinical significance of this variant remains unclear.

NM_002907.4(RECQL):c.363A>T (p.Leu121Phe)

Gene: RECQL (RecQ like helicase; minus strand). Cytogenetic location: 12p12.1.
Variant type: single nucleotide variant.
Coding change: c.363A>T on transcript NM_002907.4 (MANE Select); coding-DNA position 363, A replaced by T.
Protein change: p.Leu121Phe; replaces leucine 121 with phenylalanine.
Molecular consequence: missense variant.
Genome position (GRCh38, 1-based): chr12:21,490,230, T>A on the plus strand (A>T on the coding strand, the complement: RECQL is on the minus strand). VCF-style: chr12-21490230-T-A. GRCh37 (hg19) VCF-style: chr12-21643164-T-A.
Other names: c.363A>T, p.Leu121Phe (NM_032941.3); short protein forms L121F.
Identifiers: ClinVar variation 4152322 (VCV004152322.1).